The following is an entry in ClinVar:

ClinVar aggregate classification (germline): Uncertain significance. Review status: criteria provided, multiple submitters, no conflicts (2 of 4 stars). 2 submissions from 2 submitters: Uncertain significance (2). Last evaluated 2025-06-12.

Conditions:
Focal segmental glomerulosclerosis 3, susceptibility to (FSGS3). Identifiers: Orphanet 656, MedGen C1842982, MONDO:0011917, OMIM 607832.

Allele frequency attached by ClinVar (database versions not stated): gnomAD exomes 0.00006; ExAC 0.00010; ESP Exome Variant Server 0.00023; gnomAD 0.00024; TOPMed 0.00027.
gnomAD v4.1: 124 of 1,604,914 alleles (0.0077%); highest among the groups gnomAD compares: African/African-American, 0.076%; no homozygotes.

Submissions (2):

Labcorp Genetics (formerly Invitae), Labcorp
Classification: Uncertain significance. Last evaluated: 2025-06-12. Review status: criteria provided, single submitter. Criteria: Invitae Variant Classification Sherloc (09022015). Collection method: clinical testing. Allele origin: germline.
Comment: This sequence change replaces arginine, which is basic and polar, with histidine, which is basic and polar, at codon 111 of the CD2AP protein (p.Arg111His). This variant is present in population databases (rs192679464, gnomAD 0.08%). This variant has not been reported in the literature in individuals affected with CD2AP-related conditions. ClinVar contains an entry for this variant (Variation ID: 2159429). Invitae Evidence Modeling of protein sequence and biophysical properties (such as structural, functional, and spatial information, amino acid conservation, physicochemical variation, residue mobility, and thermodynamic stability) indicates that this missense variant is expected to disrupt CD2AP protein function with a positive predictive value of 80%. In summary, the available evidence is currently insufficient to determine the role of this variant in disease. Therefore, it has been classified as a Variant of Uncertain Significance.

Fulgent Genetics
Classification: Uncertain significance for Focal segmental glomerulosclerosis 3, susceptibility to. Last evaluated: 2024-06-13. Review status: criteria provided, single submitter. Criteria: ACMG Guidelines, 2015. Collection method: clinical testing. Allele origin: germline.

NM_012120.3(CD2AP):c.332G>A (p.Arg111His)

Gene: CD2AP (CD2 associated protein; plus strand). Cytogenetic location: 6p12.3.
Variant type: single nucleotide variant.
Coding change: c.332G>A on transcript NM_012120.3 (MANE Select); coding-DNA position 332, G replaced by A.
Protein change: p.Arg111His; replaces arginine 111 with histidine.
Molecular consequence: missense variant.
Genome position (GRCh38, 1-based): chr6:47,544,618, G>A. VCF-style: chr6-47544618-G-A. GRCh37 (hg19) VCF-style: chr6-47512354-G-A.
Other names: short protein forms R111H.
Identifiers: ClinVar variation 2159429 (VCV002159429.5), dbSNP rs192679464, ClinGen allele CA3843967.